The following is an entry in ClinVar:

NM_000337.6(SGCD):c.*6665G>A

Gene: SGCD (sarcoglycan delta; plus strand). Cytogenetic location: 5q33.3.
Variant type: single nucleotide variant.
Coding change: c.*6665G>A on transcript NM_000337.6 (MANE Select); 6665 bases downstream of the stop codon, G replaced by A.
Molecular consequence: 3 prime UTR variant.
Genome position (GRCh38, 1-based): chr5:156,766,055, G>A. VCF-style: chr5-156766055-G-A. GRCh37 (hg19) VCF-style: chr5-156193066-G-A.
Other names: c.*6665G>A (NM_001128209.2).
Identifiers: ClinVar variation 352428 (VCV000352428.7), dbSNP rs61633788, ClinGen allele CA10619816.

ClinVar aggregate classification (germline): Benign/Likely benign. Review status: criteria provided, multiple submitters, no conflicts (2 of 4 stars). 2 submissions from 2 submitters: Benign (1); Likely benign (1). Last evaluated 2018-01-13.

Conditions:
Qualitative or quantitative defects of delta-sarcoglycan. Identifiers: Orphanet 207070, MedGen C5680806, MONDO:0016144.

Allele frequency attached by ClinVar (database versions not stated): gnomAD 0.07733; TOPMed 0.09333; 1000 Genomes Project 0.09904; 1000 Genomes Project 30x 0.10259.

Submissions (2):

Illumina Laboratory Services, Illumina
Classification: Benign for Qualitative or quantitative defects of delta-sarcoglycan. Last evaluated: 2018-01-13. Review status: criteria provided, single submitter. Criteria: ICSL Variant Classification Criteria 13 December 2019. Collection method: clinical testing. Allele origin: germline.
Comment: This variant was observed in the ICSL laboratory as part of a predisposition screen in an ostensibly healthy population. It had not been previously curated by ICSL or reported in the Human Gene Mutation Database (HGMD: prior to June 1st, 2018), and was therefore a candidate for classification through an automated scoring system. Utilizing variant allele frequency, disease prevalence and penetrance estimates, and inheritance mode, an automated score was calculated to assess if this variant is too frequent to cause the disease. Based on the score and internal cut-off values, a variant classified as benign is not then subjected to further curation. The score for this variant resulted in a classification of benign for this disease.

Breakthrough Genomics
Classification: Likely benign. Review status: criteria provided, single submitter. Criteria: ACMG Guidelines, 2015. Collection method: not provided. Allele origin: germline. Inheritance: Autosomal recessive inheritance. Affected: yes.